The following is an entry in ClinVar:

NM_018896.5(CACNA1G):c.2128A>T (p.Ser710Cys)

Gene: CACNA1G (calcium voltage-gated channel subunit alpha1 G; plus strand). Cytogenetic location: 17q21.33.
Variant type: single nucleotide variant.
Coding change: c.2128A>T on transcript NM_018896.5 (MANE Select); coding-DNA position 2128, A replaced by T.
Protein change: p.Ser710Cys; replaces serine 710 with cysteine.
Molecular consequence: missense variant. On other transcripts: non-coding transcript variant (5).
Genome position (GRCh38, 1-based): chr17:50,578,391, A>T. VCF-style: chr17-50578391-A-T. GRCh37 (hg19) VCF-style: chr17-48655752-A-T.
Other names: c.2128A>T, p.Ser710Cys (NM_001256324.2, NM_001256325.2, NM_001256326.2 and 24 more transcripts); short protein forms S710C.
Identifiers: ClinVar variation 208689 (VCV000208689.12), dbSNP rs543673731, ClinGen allele CA204688.

ClinVar aggregate classification (germline): Conflicting classifications of pathogenicity. Review status: criteria provided, conflicting classifications (1 of 4 stars). 4 submissions from 4 submitters: Uncertain significance (2); Likely benign (2). Last evaluated 2025-07-16.

Conditions:
Inborn genetic diseases. Identifiers: MedGen C0950123, MeSH D030342.

Allele frequency attached by ClinVar (database versions not stated): ExAC 0.00003; gnomAD exomes 0.00003 and 0.00009; TOPMed 0.00003; gnomAD 0.00004.
gnomAD v4.1: 133 of 1,613,184 alleles (0.0082%); highest among the groups gnomAD compares: Non-Finnish European, 0.011%; no homozygotes.

Submissions (4):

GeneDx
Classification: Uncertain significance. Last evaluated: 2025-07-16. Review status: criteria provided, single submitter. Criteria: GeneDx Variant Classification Process June 2021. Collection method: clinical testing. Allele origin: germline. Affected: yes.
Comment: In silico analysis supports that this missense variant has a deleterious effect on protein structure/function; Has not been previously published as pathogenic or benign to our knowledge

Labcorp Genetics (formerly Invitae), Labcorp
Classification: Likely benign. Last evaluated: 2025-01-10. Review status: criteria provided, single submitter. Criteria: Invitae Variant Classification Sherloc (09022015). Collection method: clinical testing. Allele origin: germline.

Women's Health and Genetics/Laboratory Corporation of America, LabCorp
Classification: Likely benign. Last evaluated: 2024-09-20. Review status: criteria provided, single submitter. Criteria: LabCorp Variant Classification Summary - May 2015. Collection method: clinical testing. Allele origin: germline.
Comment: Variant summary: CACNA1G c.2128A>T (p.Ser710Cys) results in a non-conservative amino acid change in the encoded protein sequence. Three of five in-silico tools predict a benign effect of the variant on protein function. The variant allele was found at a frequency of 8.3e-05 in 1606190 control chromosomes, predominantly at a frequency of 0.00011 within the Non-Finnish European subpopulation in the gnomAD database (v4.1 dataset). The occurrence in several carriers suggests that this variant is likely not causal for a penetrant dominant condition. To our knowledge, no occurrence of c.2128A>T in individuals affected with Spinocerebellar Ataxia Type 42 and no experimental evidence demonstrating its impact on protein function have been reported. ClinVar contains an entry for this variant (Variation ID: 208689). Based on the evidence outlined above, the variant was classified as likely benign.

Ambry Genetics
Classification: Uncertain significance for Inborn genetic diseases. Last evaluated: 2021-04-09. Review status: criteria provided, single submitter. Criteria: Ambry Variant Classification Scheme 2023. Collection method: clinical testing. Allele origin: germline.